The following is an entry in ClinVar:

NM_024334.3(TMEM43):c.140T>C (p.Phe47Ser)

Gene: TMEM43 (transmembrane protein 43; plus strand). Cytogenetic location: 3p25.1.
Variant type: single nucleotide variant.
Coding change: c.140T>C on transcript NM_024334.3 (MANE Select); coding-DNA position 140, T replaced by C.
Protein change: p.Phe47Ser; replaces phenylalanine 47 with serine.
Molecular consequence: missense variant. On other transcripts: intron variant (1).
Genome position (GRCh38, 1-based): chr3:14,129,539, T>C. VCF-style: chr3-14129539-T-C. GRCh37 (hg19) VCF-style: chr3-14171039-T-C.
Other names: c.140T>C, p.Phe47Ser (NM_001407274.1, NM_001407275.1, NM_001407276.1 and 3 more transcripts); c.13-1283T>C (NM_001407280.1); short protein forms F47S.
Identifiers: ClinVar variation 3074663 (VCV003074663.2), dbSNP rs1695065567, ClinGen allele CA351534418.

ClinVar aggregate classification (germline): Uncertain significance. Review status: criteria provided, multiple submitters, no conflicts (2 of 4 stars). 2 submissions from 2 submitters: Uncertain significance (2). Last evaluated 2025-02-10.

Conditions:
Arrhythmogenic right ventricular dysplasia 5. Also called: ARRHYTHMOGENIC RIGHT VENTRICULAR DYSPLASIA, FAMILIAL, 5; Arrhythmogenic Right Ventricular Dysplasia/Cardiomyopathy 5. Identifiers: MedGen C1858379, MONDO:0011459, OMIM 604400.

Allele frequency attached by ClinVar (database versions not stated): TOPMed 0.00001.

Submissions (2):

Labcorp Genetics (formerly Invitae), Labcorp
Classification: Uncertain significance for Arrhythmogenic right ventricular dysplasia 5. Last evaluated: 2025-02-10. Review status: criteria provided, single submitter. Criteria: Invitae Variant Classification Sherloc (09022015). Collection method: clinical testing. Allele origin: germline.
Comment: This sequence change replaces phenylalanine, which is neutral and non-polar, with serine, which is neutral and polar, at codon 47 of the TMEM43 protein (p.Phe47Ser). This variant is not present in population databases (gnomAD no frequency). This variant has not been reported in the literature in individuals affected with TMEM43-related conditions. ClinVar contains an entry for this variant (Variation ID: 3074663). Invitae Evidence Modeling of protein sequence and biophysical properties (such as structural, functional, and spatial information, amino acid conservation, physicochemical variation, residue mobility, and thermodynamic stability) indicates that this missense variant is not expected to disrupt TMEM43 protein function with a negative predictive value of 80%. In summary, the available evidence is currently insufficient to determine the role of this variant in disease. Therefore, it has been classified as a Variant of Uncertain Significance.

All of Us Research Program, National Institutes of Health
Classification: Uncertain significance for Arrhythmogenic right ventricular dysplasia 5. Last evaluated: 2023-11-20. Review status: criteria provided, single submitter. Criteria: ACMG Guidelines, 2015. Collection method: clinical testing. Allele origin: germline. Inheritance: Autosomal dominant inheritance. Observed: 1 variant allele, 1 heterozygote.
Comment: This missense variant replaces phenylalanine with serine at codon 47 of the TMEM43 protein. Computational prediction suggests that this variant may not impact protein structure and function (internally defined REVEL score threshold <= 0.5, PMID: 27666373). To our knowledge, functional studies have not been reported for this variant. This variant has not been reported in individuals affected with TMEM43-related disorders in the literature. This variant has not been identified in the general population by the Genome Aggregation Database (gnomAD). The available evidence is insufficient to determine the role of this variant in disease conclusively. Therefore, this variant is classified as a Variant of Uncertain Significance.

This study involves interpretation of variants in research participants for the purpose of population health screening. Participant phenotype was not available at the time of variant classification. Additional details can be found in publication PMID: 35346344, PMCID: PMC8962531